The following is an entry in ClinVar:

ClinVar aggregate classification (germline): Conflicting classifications of pathogenicity. Review status: criteria provided, conflicting classifications (1 of 4 stars). 3 submissions from 3 submitters: Uncertain significance (2); Likely benign (1). Last evaluated 2025-10-15.

Conditions:
Familial thoracic aortic aneurysm and aortic dissection (TAAD). Also called: Thoracic aortic aneurysms and dissections. Identifiers: Orphanet 91387, MedGen C4707243, MONDO:0019625.
Shprintzen-Goldberg syndrome (SGS). Also called: CRANIOSYNOSTOSIS WITH ARACHNODACTYLY AND ABDOMINAL HERNIAS; Marfanoid disorder with craniosynostosis type 1; Marfanoid craniosynostosis syndrome; Shprintzen-Goldberg marfanoid syndrome; SHPRINTZEN-GOLDBERG CRANIOSYNOSTOSIS SYNDROME. Identifiers: Orphanet 2462, MedGen C1321551, MONDO:0008426, OMIM 182212.

Allele frequency attached by ClinVar (database versions not stated): ExAC 0.00010; 1000 Genomes Project 30x 0.00047; gnomAD 0.00019 and 0.00018; TOPMed 0.00016.
gnomAD v4.1: 57 of 1,522,192 alleles (0.0037%); highest among the groups gnomAD compares: African/African-American, 0.07%; no homozygotes.

Submissions (3):

Labcorp Genetics (formerly Invitae), Labcorp
Classification: Likely benign for Shprintzen-Goldberg syndrome. Last evaluated: 2025-10-15. Review status: criteria provided, single submitter. Criteria: Invitae Variant Classification Sherloc (09022015). Collection method: clinical testing. Allele origin: germline.

Ambry Genetics
Classification: Uncertain significance for Familial thoracic aortic aneurysm and aortic dissection. Last evaluated: 2025-09-03. Review status: criteria provided, single submitter. Criteria: Ambry Variant Classification Scheme 2023. Collection method: clinical testing. Allele origin: germline.
Comment: The p.E725A variant (also known as c.2174A>C), located in coding exon 7 of the SKI gene, results from an A to C substitution at nucleotide position 2174. The glutamic acid at codon 725 is replaced by alanine, an amino acid with dissimilar properties. This amino acid position is well conserved in available vertebrate species. In addition, the in silico prediction for this alteration is inconclusive. Based on the available evidence, the clinical significance of this variant remains unclear.

GeneDx
Classification: Uncertain significance. Last evaluated: 2019-05-08. Review status: criteria provided, single submitter. Criteria: GeneDx Variant Classification Process June 2021. Collection method: clinical testing. Allele origin: germline. Affected: yes.
Comment: Has not been previously published as pathogenic or benign to our knowledge; In silico analysis, which includes protein predictors and evolutionary conservation, supports that this variant does not alter protein structure/function; Reported in ClinVar but additional evidence is not available (ClinVar Variant ID# 213700; Landrum et al., 2016)

NM_003036.4(SKI):c.2174A>C (p.Glu725Ala)

Gene: SKI (SKI proto-oncogene; plus strand). Cytogenetic location: 1p36.32.
Variant type: single nucleotide variant.
Coding change: c.2174A>C on transcript NM_003036.4 (MANE Select); coding-DNA position 2174, A replaced by C.
Protein change: p.Glu725Ala; replaces glutamic acid 725 with alanine.
Molecular consequence: missense variant.
Genome position (GRCh38, 1-based): chr1:2,306,752, A>C. VCF-style: chr1-2306752-A-C. GRCh37 (hg19) VCF-style: chr1-2238191-A-C.
Other names: p.E725A:GAG>GCG; short protein forms E725A.
Identifiers: ClinVar variation 213700 (VCV000213700.15), dbSNP rs747798210, ClinGen allele CA324320.